The following is an entry in ClinVar:

ClinVar aggregate classification (germline): Benign/Likely benign. Review status: criteria provided, multiple submitters, no conflicts (2 of 4 stars). 14 submissions from 14 submitters: Benign (8); Likely benign (3). 3 of the submissions do not count toward it. Last evaluated 2026-02-03.

Conditions:
Lymphangiomyomatosis (LAM). Also called: Lymphangioleiomyomatosis, somatic; Lymphangioleiomyomatosis. Identifiers: Orphanet 538, MedGen C0751674, MONDO:0011705, OMIM 606690.
Tuberous sclerosis 2 (TSC2). Identifiers: Orphanet 805, MedGen C1860707, MONDO:0013199, OMIM 613254.
Isolated focal cortical dysplasia type II (FCORD2). Also called: CORTICAL DYSPLASIA OF TAYLOR; Focal cortical dysplasia type II. Identifiers: Orphanet 268994, MedGen C1846385, MONDO:0011818, OMIM 607341, HP:0032051.
Hereditary cancer-predisposing syndrome. Also called: Neoplastic Syndromes, Hereditary; Tumor predisposition; Hereditary Cancer Syndrome; Hereditary neoplastic syndrome. Identifiers: Orphanet 140162, MedGen C0027672, MeSH D009386, MONDO:0015356.
Tuberous sclerosis syndrome (TSC). Also called: Tuberous Sclerosis Complex; Tuberous sclerosis. Identifiers: Orphanet 805, MedGen C0041341, MONDO:0001734.

Allele frequency attached by ClinVar (database versions not stated): TOPMed 0.00025; ESP Exome Variant Server 0.00031; gnomAD 0.00042; 1000 Genomes Project 30x 0.00047; gnomAD exomes 0.00055; 1000 Genomes Project 0.00060; ExAC 0.00069.
gnomAD v4.1: 775 of 1,610,112 alleles (0.048%); highest among the groups gnomAD compares: Non-Finnish European, 0.047%; 1 homozygote.

Submissions (14):

Labcorp Genetics (formerly Invitae), Labcorp
Classification: Benign for Tuberous sclerosis 2. Last evaluated: 2026-02-03. Review status: criteria provided, single submitter. Criteria: Invitae Variant Classification Sherloc (09022015). Collection method: clinical testing. Allele origin: germline.

Women's Health and Genetics/Laboratory Corporation of America, LabCorp
Classification: Benign. Last evaluated: 2025-10-28. Review status: criteria provided, single submitter. Criteria: LabCorp Variant Classification Summary - May 2015. Collection method: clinical testing. Allele origin: germline.
Comment: Variant summary: TSC2 c.3610+9C>T alters a non-conserved nucleotide located at a position not widely known to affect splicing. Consensus agreement among computation tools predict no significant impact on normal splicing. However, these predictions have yet to be confirmed by functional studies. The variant allele was found at a frequency of 0.00048 in 1604394 control chromosomes (including 1 homozygote), predominantly at a frequency of 0.0026 within the Finnish subpopulation in the gnomAD database (v4.1 dataset). The observed variant frequency exceeds the estimated maximal expected allele frequency for disease-causing variants in TSC2. To our knowledge, no occurrence of c.3610+9C>T in individuals affected with TSC2-related conditions and no experimental evidence demonstrating its impact on protein function have been reported. ClinVar contains an entry for this variant (Variation ID: 49526). Based on the evidence outlined above, the variant was classified as benign.

Mayo Clinic Laboratories, Mayo Clinic
Classification: Benign. Last evaluated: 2025-07-23. Review status: criteria provided, single submitter. Criteria: ACMG Guidelines, 2015. Collection method: clinical testing. Allele origin: germline. Observed: 2 variant alleles.
Comment: BS1, BS2, BP4, BP7

Myriad Genetics, Inc.
Classification: Benign for Tuberous sclerosis 2. Last evaluated: 2025-05-29. Review status: criteria provided, single submitter. Criteria: Myriad Autosomal Dominant, Autosomal Recessive and X-Linked Classification Criteria (2023). Collection method: clinical testing. Allele origin: unknown.
Comment: This variant is considered benign. This variant is intronic and is not expected to impact mRNA splicing. This variant has been observed at a population frequency that is significantly greater than expected given the associated disease prevalence and penetrance.

Blueprint Genetics
Classification: Likely benign. Last evaluated: 2024-11-14. Review status: criteria provided, single submitter. Criteria: ACMG Guidelines, 2015. Collection method: clinical testing. Allele origin: germline.

ARUP Laboratories, Molecular Genetics and Genomics, ARUP Laboratories
Classification: Benign. Last evaluated: 2023-03-27. Review status: criteria provided, single submitter. Criteria: ARUP Molecular Germline Variant Investigation Process 2024. Collection method: clinical testing. Allele origin: germline.

Genome-Nilou Lab
Classification: Benign for Tuberous sclerosis 2. Last evaluated: 2021-11-07. Review status: criteria provided, single submitter. Criteria: ACMG Guidelines, 2015. Collection method: clinical testing. Allele origin: germline. Affected: no.

Fulgent Genetics
Classification: Likely benign for Lymphangiomyomatosis; Isolated focal cortical dysplasia type II; Tuberous sclerosis 2. Last evaluated: 2021-10-08. Review status: criteria provided, single submitter. Criteria: ACMG Guidelines, 2015. Collection method: clinical testing. Allele origin: unknown.

Sema4
Classification: Benign for Hereditary cancer-predisposing syndrome. Last evaluated: 2020-09-25. Review status: criteria provided, single submitter. Criteria: Sema4 Curation Guidelines. Collection method: curation. Allele origin: germline.

GeneDx
Classification: Benign. Last evaluated: 2013-05-24. Review status: criteria provided, single submitter. Criteria: GeneDx Variant Classification (06012015). Collection method: clinical testing. Allele origin: germline. Affected: yes.
Comment: This variant is considered likely benign or benign based on one or more of the following criteria: it is a conservative change, it occurs at a poorly conserved position in the protein, it is predicted to be benign by multiple in silico algorithms, and/or has population frequency not consistent with disease.

PreventionGenetics, part of Exact Sciences
Classification: Likely benign. Review status: criteria provided, single submitter. Criteria: ACMG Guidelines, 2015. Collection method: clinical testing. Allele origin: germline.

Clinical Genetics, Academic Medical Center
Classification: Likely benign. Review status: no assertion criteria provided. Collection method: clinical testing. Allele origin: germline. Affected: yes. Study: VKGL Data-share Consensus. Not counted in ClinVar's aggregate classification.

Genome Diagnostics Laboratory, Amsterdam University Medical Center
Classification: Likely benign. Review status: no assertion criteria provided. Collection method: clinical testing. Allele origin: germline. Affected: yes. Study: VKGL Data-share Consensus. Not counted in ClinVar's aggregate classification.

Tuberous sclerosis database (TSC2)
No classification provided. Condition: TSC. Review status: no classification provided. Criteria: Tuberous Sclerosis Database Assertion Criteria 2015. Collection method: curation. Allele origin: germline. Affected: yes. Not counted in ClinVar's aggregate classification.

NM_000548.5(TSC2):c.3610+9C>T

Gene: TSC2 (TSC complex subunit 2; plus strand). Cytogenetic location: 16p13.3.
Variant type: single nucleotide variant.
Coding change: c.3610+9C>T on transcript NM_000548.5 (MANE Select); 9 bases into the intron after coding-DNA position 3610, C replaced by T.
Molecular consequence: intron variant.
Genome position (GRCh38, 1-based): chr16:2,080,386, C>T. VCF-style: chr16-2080386-C-T. GRCh37 (hg19) VCF-style: chr16-2130387-C-T.
Other names: p.?; c.3478+9C>T (NM_001370404.1, NM_001077183.3); c.3370+9C>T (NM_001318827.2); c.2878+9C>T (NM_001318831.2); c.3334+9C>T (NM_001318829.2); c.3511+9C>T (NM_001318832.2); c.3610+9C>T (NM_001114382.3); c.3481+9C>T (NM_021055.3, NM_001370405.1, NM_001363528.2).
Identifiers: ClinVar variation 49526 (VCV000049526.26), dbSNP rs45467194, ClinGen allele CA019361.